The following is an entry in ClinVar:

ClinVar aggregate classification (germline): Likely benign. Review status: criteria provided, multiple submitters, no conflicts (2 of 4 stars). 4 submissions from 4 submitters: Likely benign (3). 1 of the submissions does not count toward it. Last evaluated 2026-01-01.

Conditions:
MTOR-related disorder. Also called: MTOR-related condition.

Allele frequency attached by ClinVar (database versions not stated): gnomAD exomes 0.00003; ExAC 0.00004.
gnomAD v4.1: 43 of 1,611,914 alleles (0.0027%); highest among the groups gnomAD compares: South Asian, 0.036%; no homozygotes.

Submissions (4):

Labcorp Genetics (formerly Invitae), Labcorp
Classification: Likely benign. Last evaluated: 2026-01-01. Review status: criteria provided, single submitter. Criteria: Invitae Variant Classification Sherloc (09022015). Collection method: clinical testing. Allele origin: germline.

CeGaT Center for Human Genetics Tuebingen
Classification: Likely benign. Last evaluated: 2025-05-01. Review status: criteria provided, single submitter. Criteria: CeGaT Center For Human Genetics Tuebingen Variant Classification Criteria Version 2. Collection method: clinical testing. Allele origin: germline. Affected: yes. Observed: 1 variant allele.
Comment: MTOR: BP4, BP7

Blueprint Genetics
Classification: Likely benign. Last evaluated: 2024-05-23. Review status: criteria provided, single submitter. Criteria: ACMG Guidelines, 2015. Collection method: clinical testing. Allele origin: germline.

PreventionGenetics, part of Exact Sciences
Classification: Likely benign for MTOR-related condition. Last evaluated: 2023-07-20. Review status: no assertion criteria provided. Collection method: clinical testing. Allele origin: germline. Not counted in ClinVar's aggregate classification.
Comment: This variant is classified as likely benign based on ACMG/AMP sequence variant interpretation guidelines (Richards et al. 2015 PMID: 25741868, with internal and published modifications).

NM_004958.4(MTOR):c.5806C>T (p.Leu1936=)

Gene: MTOR (mechanistic target of rapamycin kinase; minus strand). Cytogenetic location: 1p36.22.
Variant type: single nucleotide variant.
Coding change: c.5806C>T on transcript NM_004958.4 (MANE Select); coding-DNA position 5806, C replaced by T.
Protein change: p.Leu1936=; no amino-acid change (leucine 1936 retained).
Molecular consequence: synonymous variant.
Genome position (GRCh38, 1-based): chr1:11,128,860, G>A on the plus strand (C>T on the coding strand, the complement: MTOR is on the minus strand). VCF-style: chr1-11128860-G-A. GRCh37 (hg19) VCF-style: chr1-11188917-G-A.
Other names: c.5806C>T, p.Leu1936= (NM_001386500.1); c.4558C>T, p.Leu1520= (NM_001386501.1).
Identifiers: ClinVar variation 2041313 (VCV002041313.17), dbSNP rs374399406, ClinGen allele CA589252.
Genomic context (GRCh38, chr1:11,128,860, plus strand): 5'-AGACACACAGAAGAGAGACTTGGAGCCACCTTCACCTGTAACCAAGTATCCTCACCTGTA[G>A]CCAGGTATCAATCTGGATGGCTTTCACCCCCTCCACTAAGGCCTCATTGACATCTGGCCA-3'
Protein context (NP_004949.1, residues 1926-1946): GVKAIQIDTW[Leu1936=]QVIPQLIARI